The following is an entry in ClinVar:

ClinVar aggregate classification (germline): Conflicting classifications of pathogenicity. Review status: criteria provided, conflicting classifications (1 of 4 stars). 6 submissions from 5 submitters: Uncertain significance (4); Likely benign (2). Last evaluated 2026-02-02.

Conditions:
Gorlin syndrome. Also called: Nevoid Basal Cell Carcinoma Syndrome; Basal cell nevus syndrome. Identifiers: Orphanet 377, MedGen C0004779, MONDO:0007187.
Holoprosencephaly 7 (HPE7). Identifiers: Orphanet 2162, MedGen C1835820, MONDO:0012562, OMIM 610828.
Hereditary cancer-predisposing syndrome. Also called: Hereditary neoplastic syndrome; Neoplastic Syndromes, Hereditary; Tumor predisposition; Hereditary Cancer Syndrome. Identifiers: Orphanet 140162, MedGen C0027672, MeSH D009386, MONDO:0015356.

Allele frequency attached by ClinVar (database versions not stated): gnomAD exomes below 0.00001; gnomAD 0.00001; ExAC 0.00002; TOPMed 0.00002.
gnomAD v4.1: 9 of 1,614,034 alleles (0.00056%); highest among the groups gnomAD compares: Admixed American, 0.0033%; no homozygotes.

Submissions (6):

Labcorp Genetics (formerly Invitae), Labcorp
Classification: Likely benign for Gorlin syndrome. Last evaluated: 2026-02-02. Review status: criteria provided, single submitter. Criteria: Invitae Variant Classification Sherloc (09022015). Collection method: clinical testing. Allele origin: germline.

Mayo Clinic Laboratories, Mayo Clinic
Classification: Uncertain significance. Last evaluated: 2025-09-24. Review status: criteria provided, single submitter. Criteria: ACMG Guidelines, 2015. Collection method: clinical testing. Allele origin: germline. Observed: 1 variant allele.
Comment: PM2_supporting

Ambry Genetics
Classification: Uncertain significance for Hereditary cancer-predisposing syndrome. Last evaluated: 2024-05-05. Review status: criteria provided, single submitter. Criteria: Ambry Variant Classification Scheme 2023. Collection method: clinical testing. Allele origin: germline.
Comment: The p.P726S variant (also known as c.2176C>T), located in coding exon 14 of the PTCH1 gene, results from a C to T substitution at nucleotide position 2176. The proline at codon 726 is replaced by serine, an amino acid with similar properties. This amino acid position is highly conserved in available vertebrate species. In addition, this alteration is predicted to be tolerated by in silico analysis. Since supporting evidence is limited at this time, the clinical significance of this alteration remains unclear.

Illumina Laboratory Services, Illumina
Classification: Uncertain significance for Holoprosencephaly 7. Last evaluated: 2018-01-15. Review status: criteria provided, single submitter. Criteria: ICSL Variant Classification Criteria 13 December 2019. Collection method: clinical testing. Allele origin: germline.

Illumina Laboratory Services, Illumina
Classification: Uncertain significance for Basal cell nevus syndrome 1. Last evaluated: 2018-01-15. Review status: criteria provided, single submitter. Criteria: ICSL Variant Classification Criteria 13 December 2019. Collection method: clinical testing. Allele origin: germline.

GeneDx
Classification: Likely benign. Last evaluated: 2017-06-02. Review status: criteria provided, single submitter. Criteria: GeneDx Variant Classification (06012015). Collection method: clinical testing. Allele origin: germline. Affected: yes.
Comment: This variant is considered likely benign or benign based on one or more of the following criteria: it is a conservative change, it occurs at a poorly conserved position in the protein, it is predicted to be benign by multiple in silico algorithms, and/or has population frequency not consistent with disease.

NM_000264.5(PTCH1):c.2176C>T (p.Pro726Ser)

Genes: PTCH1 (patched 1; minus strand), LOC100507346 (uncharacterized LOC100507346; plus strand). Cytogenetic location: 9q22.32.
Variant type: single nucleotide variant.
Coding change: c.2176C>T on transcript NM_000264.5 (MANE Select); coding-DNA position 2176, C replaced by T.
Protein change: p.Pro726Ser; replaces proline 726 with serine.
Molecular consequence: missense variant. On other transcripts: non-coding transcript variant (2).
Genome position (GRCh38, 1-based): chr9:95,468,825, G>A on the plus strand (C>T on the coding strand, the complement: PTCH1 is on the minus strand). VCF-style: chr9-95468825-G-A. GRCh37 (hg19) VCF-style: chr9-98231107-G-A.
Other names: p.Pro726Ser; c.1978C>T, p.Pro660Ser (NM_001083602.3); c.2173C>T, p.Pro725Ser (NM_001083603.3); c.1723C>T, p.Pro575Ser (NM_001083604.3, NM_001083605.3, NM_001083606.3 and 1 more transcripts); c.2020C>T, p.Pro674Ser (NM_001354918.2); short protein forms P726S, P660S, P575S, P725S, P674S.
Identifiers: ClinVar variation 409194 (VCV000409194.22), dbSNP rs758811078, ClinGen allele CA5138440.